The following is an entry in ClinVar:

ClinVar aggregate classification (germline): Uncertain significance (1 of 4 stars; one submission).

Submission:

Labcorp Genetics (formerly Invitae), Labcorp
Classification: Uncertain significance. Last evaluated: 2025-12-21. Review status: criteria provided, single submitter. Criteria: Invitae Variant Classification Sherloc (09022015). Collection method: clinical testing. Allele origin: germline.
Comment: This sequence change replaces alanine, which is neutral and non-polar, with threonine, which is neutral and polar, at codon 945 of the HIVEP2 protein (p.Ala945Thr). This variant is not present in population databases (gnomAD no frequency). This variant has not been reported in the literature in individuals affected with HIVEP2-related conditions. Invitae Evidence Modeling of protein sequence and biophysical properties (such as structural, functional, and spatial information, amino acid conservation, physicochemical variation, residue mobility, and thermodynamic stability) indicates that this missense variant is expected to disrupt HIVEP2 protein function with a positive predictive value of 80%. In summary, the available evidence is currently insufficient to determine the role of this variant in disease. Therefore, it has been classified as a Variant of Uncertain Significance.

NM_006734.4(HIVEP2):c.2833G>A (p.Ala945Thr)

Gene: HIVEP2 (HIVEP zinc finger 2; minus strand). Cytogenetic location: 6q24.2.
Variant type: single nucleotide variant.
Coding change: c.2833G>A on transcript NM_006734.4 (MANE Select); coding-DNA position 2833, G replaced by A.
Protein change: p.Ala945Thr; replaces alanine 945 with threonine.
Molecular consequence: missense variant.
Genome position (GRCh38, 1-based): chr6:142,771,906, C>T on the plus strand (G>A on the coding strand, the complement: HIVEP2 is on the minus strand). VCF-style: chr6-142771906-C-T. GRCh37 (hg19) VCF-style: chr6-143093043-C-T.
Other names: c.2833G>A, p.Ala945Thr (NM_001438449.1, NM_001438450.1, NM_001438451.1); short protein forms A945T.
Identifiers: ClinVar variation 4740658 (VCV004740658.1).
Genomic context (GRCh38, chr6:142,771,906, plus strand): 5'-GGGAGAGGCCTGTGCCTGTGGATTCAAAGCTGGACTCCCCTGAGGAGTGCTCCATATCTG[C>T]AAGTCGCAGACGCTTCTTTTTGGGTGGCAACTTCTCCGCGGGGAGCTGGGAAAGGGTCTC-3'
Protein context (NP_006725.3, residues 935-955): LPPKKKRLRL[Ala945Thr]DMEHSSGESS